The following is an entry in ClinVar:

NM_005634.3(SOX3):c.68G>C (p.Ser23Thr)

Genes: SOX3 (SRY-box transcription factor 3; minus strand), LOC108281134 (SOX3 promoter region; plus strand). Cytogenetic location: Xq27.1.
Variant type: single nucleotide variant.
Coding change: c.68G>C on transcript NM_005634.3 (MANE Select); coding-DNA position 68, G replaced by C.
Protein change: p.Ser23Thr; replaces serine 23 with threonine.
Molecular consequence: missense variant.
Genome position (GRCh38, 1-based): chrX:140,504,993, C>G on the plus strand (G>C on the coding strand, the complement: SOX3 is on the minus strand). VCF-style: chrX-140504993-C-G. GRCh37 (hg19) VCF-style: chrX-139587158-C-G.
Other names: short protein forms S23T.
Identifiers: ClinVar variation 3026472 (VCV003026472.24), dbSNP rs1293329905, ClinGen allele CA414479551.

ClinVar aggregate classification (germline): Uncertain significance. Review status: criteria provided, multiple submitters, no conflicts (2 of 4 stars). 2 submissions from 2 submitters: Uncertain significance (2). Last evaluated 2024-04-02.

Allele frequency attached by ClinVar (database versions not stated): gnomAD exomes 0.00001; TOPMed 0.00002; gnomAD 0.00003.

Submissions (2):

Labcorp Genetics (formerly Invitae), Labcorp
Classification: Uncertain significance. Last evaluated: 2024-04-02. Review status: criteria provided, single submitter. Criteria: Invitae Variant Classification Sherloc (09022015). Collection method: clinical testing. Allele origin: germline.
Comment: This sequence change replaces serine, which is neutral and polar, with threonine, which is neutral and polar, at codon 23 of the SOX3 protein (p.Ser23Thr). This variant is not present in population databases (gnomAD no frequency). This variant has not been reported in the literature in individuals affected with SOX3-related conditions. Advanced modeling of protein sequence and biophysical properties (such as structural, functional, and spatial information, amino acid conservation, physicochemical variation, residue mobility, and thermodynamic stability) performed at Invitae indicates that this missense variant is not expected to disrupt SOX3 protein function with a negative predictive value of 80%. In summary, the available evidence is currently insufficient to determine the role of this variant in disease. Therefore, it has been classified as a Variant of Uncertain Significance.

CeGaT Center for Human Genetics Tuebingen
Classification: Uncertain significance. Last evaluated: 2024-01-01. Review status: criteria provided, single submitter. Criteria: CeGaT Center For Human Genetics Tuebingen Variant Classification Criteria Version 2. Collection method: clinical testing. Allele origin: germline. Affected: yes. Observed: 1 variant allele.